The following is an entry in ClinVar:

ClinVar aggregate classification (germline): Likely benign. Review status: criteria provided, multiple submitters, no conflicts (2 of 4 stars). 4 submissions from 4 submitters: Likely benign (4). Last evaluated 2026-04-01.

Allele frequency attached by ClinVar (database versions not stated): ExAC 0.00002; gnomAD 0.00003 and 0.00005; gnomAD exomes 0.00004; TOPMed 0.00004; ESP Exome Variant Server 0.00008.
gnomAD v4.1: 44 of 1,612,254 alleles (0.0027%); highest among the groups gnomAD compares: Middle Eastern, 0.017%; 1 homozygote.

Submissions (4):

CeGaT Center for Human Genetics Tuebingen
Classification: Likely benign. Last evaluated: 2026-04-01. Review status: criteria provided, single submitter. Criteria: CeGaT Center For Human Genetics Tuebingen Variant Classification Criteria Version 2. Collection method: clinical testing. Allele origin: germline. Affected: yes. Observed: 1 variant allele.
Comment: TUBGCP6: BP4, BP7

Labcorp Genetics (formerly Invitae), Labcorp
Classification: Likely benign. Last evaluated: 2025-07-22. Review status: criteria provided, single submitter. Criteria: Invitae Variant Classification Sherloc (09022015). Collection method: clinical testing. Allele origin: germline.

Blueprint Genetics
Classification: Likely benign. Last evaluated: 2024-09-24. Review status: criteria provided, single submitter. Criteria: ACMG Guidelines, 2015. Collection method: clinical testing. Allele origin: germline.

Breakthrough Genomics
Classification: Likely benign. Review status: criteria provided, single submitter. Criteria: ACMG Guidelines, 2015. Collection method: not provided. Allele origin: germline. Inheritance: Autosomal recessive inheritance. Affected: yes.

NM_020461.4(TUBGCP6):c.4647C>T (p.Pro1549=)

Gene: TUBGCP6 (tubulin gamma complex component 6; minus strand). Cytogenetic location: 22q13.33.
Variant type: single nucleotide variant.
Coding change: c.4647C>T on transcript NM_020461.4 (MANE Select); coding-DNA position 4647, C replaced by T.
Protein change: p.Pro1549=; no amino-acid change (proline 1549 retained).
Molecular consequence: synonymous variant.
Genome position (GRCh38, 1-based): chr22:50,218,877, G>A on the plus strand (C>T on the coding strand, the complement: TUBGCP6 is on the minus strand). VCF-style: chr22-50218877-G-A. GRCh37 (hg19) VCF-style: chr22-50657306-G-A.
Identifiers: ClinVar variation 794086 (VCV000794086.13), dbSNP rs376321384, ClinGen allele CA10307391.